The following is an entry in ClinVar:

NM_000038.6(APC):c.4600G>A (p.Gly1534Arg)

Gene: APC (APC regulator of WNT signaling pathway; plus strand). Cytogenetic location: 5q22.2.
Variant type: single nucleotide variant.
Coding change: c.4600G>A on transcript NM_000038.6 (MANE Select); coding-DNA position 4600, G replaced by A.
Protein change: p.Gly1534Arg; replaces glycine 1534 with arginine.
Molecular consequence: missense variant.
Genome position (GRCh38, 1-based): chr5:112,840,194, G>A. VCF-style: chr5-112840194-G-A. GRCh37 (hg19) VCF-style: chr5-112175891-G-A.
Other names: c.4600G>A, p.Gly1534Arg (NM_001127510.3, NM_001354895.2, NM_001407450.1); c.4546G>A, p.Gly1516Arg (NM_001127511.3); c.4654G>A, p.Gly1552Arg (NM_001354896.2, NM_001407447.1, NM_001407448.1 and 1 more transcripts); c.4630G>A, p.Gly1544Arg (NM_001354897.2); c.4525G>A, p.Gly1509Arg (NM_001354898.2); c.4516G>A, p.Gly1506Arg (NM_001354899.2); c.4477G>A, p.Gly1493Arg (NM_001354900.2); c.4423G>A, p.Gly1475Arg (NM_001354901.2, NM_001407453.1); and 11 more; short protein forms G1150R, G1251R, G1374R, G1405R, G1408R, G1433R, G1443R, G1451R.
Identifiers: ClinVar variation 2444634 (VCV002444634.1), dbSNP rs2149918656, ClinGen allele CA16031406.

ClinVar aggregate classification (germline): Uncertain significance (1 of 4 stars; one submission).

Submission:

GeneDx
Classification: Uncertain significance. Last evaluated: 2022-09-16. Review status: criteria provided, single submitter. Criteria: GeneDx Variant Classification Process June 2021. Collection method: clinical testing. Allele origin: germline. Affected: yes.
Comment: Not observed at significant frequency in large population cohorts (gnomAD); In silico analysis supports that this missense variant has a deleterious effect on protein structure/function; Has not been previously published as pathogenic or benign to our knowledge; This variant is associated with the following publications: (PMID: 18199528])